The following is an entry in ClinVar:

NM_000748.3(CHRNB2):c.1115G>A (p.Gly372Asp)

Gene: CHRNB2 (cholinergic receptor nicotinic beta 2 subunit; plus strand). Cytogenetic location: 1q21.3.
Variant type: single nucleotide variant.
Coding change: c.1115G>A on transcript NM_000748.3 (MANE Select); coding-DNA position 1115, G replaced by A.
Protein change: p.Gly372Asp; replaces glycine 372 with aspartic acid.
Molecular consequence: missense variant.
Genome position (GRCh38, 1-based): chr1:154,571,938, G>A. VCF-style: chr1-154571938-G-A. GRCh37 (hg19) VCF-style: chr1-154544414-G-A.
Other names: short protein forms G372D.
Identifiers: ClinVar variation 957891 (VCV000957891.12), dbSNP rs757023317, ClinGen allele CA1130832.

ClinVar aggregate classification (germline): Conflicting classifications of pathogenicity. Review status: criteria provided, conflicting classifications (1 of 4 stars). 2 submissions from 2 submitters: Uncertain significance (1); Likely benign (1). Last evaluated 2025-09-04.

Conditions:
Familial sleep-related hypermotor epilepsy. Also called: Autosomal Dominant Sleep-Related Hypermotor (Hyperkinetic) Epilepsy. Identifiers: Orphanet 98784, MedGen C3696898, MONDO:0000030.
Inborn genetic diseases. Identifiers: MedGen C0950123, MeSH D030342.

Allele frequency attached by ClinVar (database versions not stated): ExAC below 0.00001; gnomAD 0.00001; gnomAD exomes 0.00002 and 0.00005.
gnomAD v4.1: 12 of 1,551,268 alleles (0.00077%); highest among the groups gnomAD compares: Admixed American, 0.021%; 1 homozygote.

Submissions (2):

Ambry Genetics
Classification: Likely benign for Inborn genetic diseases. Last evaluated: 2025-09-04. Review status: criteria provided, single submitter. Criteria: Ambry Variant Classification Scheme 2023. Collection method: clinical testing. Allele origin: germline.

Labcorp Genetics (formerly Invitae), Labcorp
Classification: Uncertain significance. Last evaluated: 2024-10-23. Review status: criteria provided, single submitter. Criteria: Invitae Variant Classification Sherloc (09022015). Collection method: clinical testing. Allele origin: germline.
Comment: This sequence change replaces glycine, which is neutral and non-polar, with aspartic acid, which is acidic and polar, at codon 372 of the CHRNB2 protein (p.Gly372Asp). This variant is present in population databases (rs757023317, gnomAD 0.02%). This variant has not been reported in the literature in individuals affected with CHRNB2-related conditions. ClinVar contains an entry for this variant (Variation ID: 957891). Invitae Evidence Modeling of protein sequence and biophysical properties (such as structural, functional, and spatial information, amino acid conservation, physicochemical variation, residue mobility, and thermodynamic stability) indicates that this missense variant is not expected to disrupt CHRNB2 protein function with a negative predictive value of 80%. In summary, the available evidence is currently insufficient to determine the role of this variant in disease. Therefore, it has been classified as a Variant of Uncertain Significance.